The following is an entry in ClinVar:

ClinVar aggregate classification (germline): Uncertain significance (1 of 4 stars; one submission).

Submission:

Ambry Genetics
Classification: Uncertain significance. Last evaluated: 2025-09-20. Review status: criteria provided, single submitter. Criteria: Ambry Variant Classification Scheme 2023. Collection method: clinical testing. Allele origin: germline.
Comment: The p.K361N variant (also known as c.1083A>T), located in coding exon 11 of the KIF1B gene, results from an A to T substitution at nucleotide position 1083. The lysine at codon 361 is replaced by asparagine, an amino acid with similar properties. This amino acid position is conserved. In addition, this alteration is predicted to be tolerated by in silico analysis. Based on the available evidence, the clinical significance of this variant remains unclear.

NM_001365951.3(KIF1B):c.1101A>T (p.Lys367Asn)

Gene: KIF1B (kinesin family member 1B; plus strand). Cytogenetic location: 1p36.22.
Variant type: single nucleotide variant.
Coding change: c.1101A>T on transcript NM_001365951.3 (MANE Select); coding-DNA position 1101, A replaced by T.
Protein change: p.Lys367Asn; replaces lysine 367 with asparagine.
Molecular consequence: missense variant.
Genome position (GRCh38, 1-based): chr1:10,278,049, A>T. VCF-style: chr1-10278049-A-T. GRCh37 (hg19) VCF-style: chr1-10338107-A-T.
Other names: c.1101A>T, p.Lys367Asn (NM_001365952.1); c.1083A>T, p.Lys361Asn (NM_001365953.1, NM_015074.3, NM_183416.4); short protein forms K367N, K361N.
Identifiers: ClinVar variation 4543623 (VCV004543623.1).